The following is an entry in ClinVar:

NM_170606.3(KMT2C):c.4393A>G (p.Thr1465Ala)

Gene: KMT2C (lysine methyltransferase 2C; minus strand). Cytogenetic location: 7q36.1.
Variant type: single nucleotide variant.
Coding change: c.4393A>G on transcript NM_170606.3 (MANE Select); coding-DNA position 4393, A replaced by G.
Protein change: p.Thr1465Ala; replaces threonine 1465 with alanine.
Molecular consequence: missense variant.
Genome position (GRCh38, 1-based): chr7:152,194,554, T>C on the plus strand (A>G on the coding strand, the complement: KMT2C is on the minus strand). VCF-style: chr7-152194554-T-C. GRCh37 (hg19) VCF-style: chr7-151891639-T-C.
Other names: short protein forms T1465A.
Identifiers: ClinVar variation 1950301 (VCV001950301.5), dbSNP rs1383716454, ClinGen allele CA370106130.
Genomic context (GRCh38, chr7:152,194,554, plus strand): 5'-CACTTAATGGTCGTGAACTCTGATTGACATTTGGCTGAGGCAAAGAGGAAGGATCATCAG[T>C]GACAGGACCAATATCTACAAGAGTAAGGAAAATAAATTTAAAGGTACATTCAGAATACTC-3'
Protein context (NP_733751.2, residues 1455-1475): SVDHSDIGPV[Thr1465Ala]DDPSSLPQPN

ClinVar aggregate classification (germline): Uncertain significance (1 of 4 stars; one submission).

Allele frequency attached by ClinVar (database versions not stated): gnomAD exomes below 0.00001.
gnomAD v4.1: 1 of 1,612,696 alleles (0.000062%); no homozygotes.

Submission:

Labcorp Genetics (formerly Invitae), Labcorp
Classification: Uncertain significance. Last evaluated: 2024-08-13. Review status: criteria provided, single submitter. Criteria: Invitae Variant Classification Sherloc (09022015). Collection method: clinical testing. Allele origin: germline.
Comment: This sequence change replaces threonine, which is neutral and polar, with alanine, which is neutral and non-polar, at codon 1465 of the KMT2C protein (p.Thr1465Ala). This variant is not present in population databases (gnomAD no frequency). This variant has not been reported in the literature in individuals affected with KMT2C-related conditions. ClinVar contains an entry for this variant (Variation ID: 1950301). Advanced modeling of protein sequence and biophysical properties (such as structural, functional, and spatial information, amino acid conservation, physicochemical variation, residue mobility, and thermodynamic stability) performed at Invitae indicates that this missense variant is not expected to disrupt KMT2C protein function with a negative predictive value of 80%. In summary, the available evidence is currently insufficient to determine the role of this variant in disease. Therefore, it has been classified as a Variant of Uncertain Significance.